The following is an entry in ClinVar:

ClinVar aggregate classification (germline): Benign (1 of 4 stars; one submission).

Allele frequency attached by ClinVar (database versions not stated): gnomAD 0.01662 and 0.01791; TOPMed 0.01846; 1000 Genomes Project 30x 0.01874; 1000 Genomes Project 0.01597.
gnomAD v4.1: 2,503 of 152,160 alleles (1.6%); highest among the groups gnomAD compares: African/African-American, 5.7%; 68 homozygotes.

Submissions (2):

GeneDx
Classification: Benign. Last evaluated: 2018-06-19. Review status: criteria provided, single submitter. Criteria: GeneDx Variant Classification (06012015). Collection method: clinical testing. Allele origin: germline. Affected: yes.
Comment: This variant is considered likely benign or benign based on one or more of the following criteria: it is a conservative change, it occurs at a poorly conserved position in the protein, it is predicted to be benign by multiple in silico algorithms, and/or has population frequency not consistent with disease.

Dr. Peter K. Rogan Lab, Western University
No classification provided (evidence only). Condition: Uterine corpus endometrial carcinoma. Review status: no classification provided. Collection method: in vitro. Allele origin: not applicable. Functional consequence: retained intron. Not counted in ClinVar's aggregate classification.

NM_018699.4(PRDM5):c.1728+286G>A

Gene: PRDM5 (PR/SET domain 5; minus strand). Cytogenetic location: 4q27.
Variant type: single nucleotide variant.
Coding change: c.1728+286G>A on transcript NM_018699.4 (MANE Select); 286 bases into the intron after coding-DNA position 1728, G replaced by A.
Molecular consequence: intron variant.
Genome position (GRCh38, 1-based): chr4:120,710,023, C>T on the plus strand (G>A on the coding strand, the complement: PRDM5 is on the minus strand). VCF-style: chr4-120710023-C-T. GRCh37 (hg19) VCF-style: chr4-121631178-C-T.
Other names: NC_000004.11:g.121631178C>T; c.*43+286G>A (NM_001300824.2); c.1531-14748G>A (NM_001379106.1); c.1635+286G>A (NM_001300823.2); c.1761+286G>A (NM_001379104.1).
Identifiers: ClinVar variation 671077 (VCV000671077.2), dbSNP rs79397936, ClinGen allele CA105109757.